The following is an entry in ClinVar:

NM_004698.4(PRPF3):c.861T>C (p.Ala287=)

Gene: PRPF3 (pre-mRNA processing factor 3; plus strand). Cytogenetic location: 1q21.2.
Variant type: single nucleotide variant.
Coding change: c.861T>C on transcript NM_004698.4 (MANE Select); coding-DNA position 861, T replaced by C.
Protein change: p.Ala287=; no amino-acid change (alanine 287 retained).
Molecular consequence: synonymous variant. On other transcripts: non-coding transcript variant (4).
Genome position (GRCh38, 1-based): chr1:150,335,067, T>C. VCF-style: chr1-150335067-T-C. GRCh37 (hg19) VCF-style: chr1-150307538-T-C.
Other names: c.456T>C, p.Ala152= (NM_001350529.1); c.861T>C (NM_004698.2).
Identifiers: ClinVar variation 1091052 (VCV001091052.11), dbSNP rs782226725, ClinGen allele CA1075507.

ClinVar aggregate classification (germline): Likely benign. Review status: criteria provided, multiple submitters, no conflicts (2 of 4 stars). 3 submissions from 3 submitters: Likely benign (3). Last evaluated 2025-12-19.

Conditions:
PRPF3-related disorder. Also called: PRPF3-related condition.

Allele frequency attached by ClinVar (database versions not stated): TOPMed 0.00002; gnomAD exomes 0.00003 and 0.00005; ExAC 0.00005.
gnomAD v4.1: 18 of 1,614,062 alleles (0.0011%); highest among the groups gnomAD compares: Admixed American, 0.025%; no homozygotes.

Submissions (3):

Labcorp Genetics (formerly Invitae), Labcorp
Classification: Likely benign. Last evaluated: 2025-12-19. Review status: criteria provided, single submitter. Criteria: Invitae Variant Classification Sherloc (09022015). Collection method: clinical testing. Allele origin: germline.

PreventionGenetics, part of Exact Sciences
Classification: Likely benign for PRPF3-related condition. Last evaluated: 2025-03-14. Review status: criteria provided, single submitter. Criteria: ACMG Guidelines, 2015. Collection method: clinical testing. Allele origin: germline.
Comment: This variant is classified as likely benign based on ACMG/AMP sequence variant interpretation guidelines (Richards et al. 2015 PMID: 25741868, with internal and published modifications).

Blueprint Genetics
Classification: Likely benign. Last evaluated: 2020-11-07. Review status: criteria provided, single submitter. Criteria: ACMG Guidelines, 2015. Collection method: clinical testing. Allele origin: germline.